The following is an entry in ClinVar:

ClinVar aggregate classification (germline): Uncertain significance (1 of 4 stars; one submission).

Allele frequency attached by ClinVar (database versions not stated): gnomAD exomes below 0.00001.

Submission:

Labcorp Genetics (formerly Invitae), Labcorp
Classification: Uncertain significance. Last evaluated: 2022-05-17. Review status: criteria provided, single submitter. Criteria: Invitae Variant Classification Sherloc (09022015). Collection method: clinical testing. Allele origin: germline.
Comment: Experimental studies and prediction algorithms are not available or were not evaluated, and the functional significance of this variant is currently unknown. In summary, the available evidence is currently insufficient to determine the role of this variant in disease. Therefore, it has been classified as a Variant of Uncertain Significance. This variant has not been reported in the literature in individuals affected with SAMD9L-related conditions. This sequence change creates a premature translational stop signal (p.Leu1406Glnfs*12) in the SAMD9L gene. While this is not anticipated to result in nonsense mediated decay, it is expected to disrupt the last 179 amino acid(s) of the SAMD9L protein. This variant is not present in population databases (gnomAD no frequency).

NM_152703.5(SAMD9L):c.4217del (p.Leu1406fs)

Gene: SAMD9L (sterile alpha motif domain containing 9 like; minus strand). Cytogenetic location: 7q21.2.
Variant type: Deletion.
Coding change: c.4217del on transcript NM_152703.5 (MANE Select); coding-DNA position 4217, one base deleted (T; older notation c.4217delT).
Protein change: p.Leu1406fs; shifts the reading frame from leucine 1406.
Molecular consequence: frameshift variant.
Genome position (GRCh38, 1-based): chr7:93,131,755, A deleted on the plus strand (T on the coding strand, the reverse complement: SAMD9L is on the minus strand). VCF-style (leftmost placement, unchanged base first): chr7-93131754-TA-T. GRCh37 (hg19) VCF-style: chr7-92761067-TA-T.
Other names: c.4217del, p.Leu1406fs (NM_001303496.3, NM_001303497.3, NM_001303498.3 and 5 more transcripts); short protein forms L1406fs.
Identifiers: ClinVar variation 1995554 (VCV001995554.4), dbSNP rs2535405057, ClinGen allele CA2580077846.
Genomic context (GRCh38, chr7:93,131,754, plus strand): 5'-AGGACCTGGATATTGATGACTTAGTCCTACAAATTGCAAGACCTCTCGGAGTTGTTTTTT[TA>T]GCGTGGTAAGTGGTTGAATTAACTTGGAGTTGGGCTTTAGACAACTCAGAATAATGTTGG-3'